The following is an entry in ClinVar:

NM_000321.3(RB1):c.607+1G>C

Gene: RB1 (RB transcriptional corepressor 1; plus strand). Cytogenetic location: 13q14.2.
Variant type: single nucleotide variant.
Coding change: c.607+1G>C on transcript NM_000321.3 (MANE Select); the canonical splice donor site of the intron after coding-DNA position 607, G replaced by C.
Molecular consequence: splice donor variant.
Genome position (GRCh38, 1-based): chr13:48,349,024, G>C. VCF-style: chr13-48349024-G-C. GRCh37 (hg19) VCF-style: chr13-48923160-G-C.
Other names: c.607+1G>C (NM_001407165.1, NM_001407166.1).
Identifiers: ClinVar variation 1459669 (VCV001459669.11), dbSNP rs587776789, ClinGen allele CA388157021.

ClinVar aggregate classification (germline): Pathogenic/Likely pathogenic. Review status: criteria provided, multiple submitters, no conflicts (2 of 4 stars). 5 submissions from 5 submitters: Pathogenic (4); Likely pathogenic (1). Last evaluated 2026-05-29.

Conditions:
Hereditary cancer-predisposing syndrome. Also called: Tumor predisposition; Hereditary Cancer Syndrome; Hereditary neoplastic syndrome; Neoplastic Syndromes, Hereditary. Identifiers: Orphanet 140162, MedGen C0027672, MeSH D009386, MONDO:0015356.
Retinoblastoma (RB1). Also called: RETINOBLASTOMA, SOMATIC. Identifiers: Orphanet 790, MedGen C0035335, MeSH D012175, MONDO:0008380, OMIM 180200, HP:0009919. Disease mechanism: loss of function. Inheritance: Both sporadic and heritable forms are tested..

Submissions (5):

Diller/Parad Lab, Dana-Farber/Harvard Cancer Center
Classification: Likely pathogenic for Retinoblastoma. Last evaluated: 2026-05-29. Review status: criteria provided, single submitter. Criteria: ACMG Guidelines, 2015. Collection method: research. Allele origin: germline. Affected: yes.
Comment: It has been classified as Likely Pathogenic using Richards et al (PMID:25741868) based on the following evidence codes: PM2, PVS1.

Victorian Clinical Genetics Services, Murdoch Childrens Research Institute
Classification: Pathogenic for Retinoblastoma. Last evaluated: 2025-12-02. Review status: criteria provided, single submitter. Criteria: ACMG Guidelines, 2015. Collection method: clinical testing. Allele origin: germline. Affected: yes.
Comment: This variant is classified as Pathogenic. Evidence in support of pathogenic classification: Variant is absent from gnomAD (v2, v3 and v4); This variant has strong previous evidence of pathogenicity in unrelated individuals. This variant has been reported as pathogenic by multiple clinical laboratories (ClinVar); Other canonical splice site variant(s) comparable to the one identified in this case have strong previous evidence for pathogenicity. Variants (c.607+1G>A, c.607+1G>T, and c.607+2T>G) have been classified multiple times as pathogenic by clinical laboratories (ClinVar); Abnormal splicing is predicted by in silico tool and affected nucleotide is highly conserved. Additional information: Splice site variant proven to affect splicing of the transcript with a known effect on protein sequence. This variant has been demonstrated to cause exon 6 skipping at the RNA level (PMID: 10673998); This variant is heterozygous; This gene is associated with autosomal dominant disease; Alternative nucleotide change(s) at the same canonical splice site, are present in gnomAD (Highest allele count: v4: 1 heterozygote(s), 0 homozygote(s)); Loss of function is a known mechanism of disease in this gene and is associated with retinoblastoma (MIM#180200); The condition associated with this gene has incomplete penetrance. A small proportion of families have a low penetrance phenotype, although null alleles are almost always fully penetrant (PMID: 20301625); Variants in this gene are known to have variable expressivity. Affected individuals can develop unilateral, bilateral or trilateral disease (PMID: 20301625; OMIM); Inheritance information for this variant is not currently available in this individual.

Labcorp Genetics (formerly Invitae), Labcorp
Classification: Pathogenic for Retinoblastoma. Last evaluated: 2025-01-22. Review status: criteria provided, single submitter. Criteria: Invitae Variant Classification Sherloc (09022015). Collection method: clinical testing. Allele origin: germline.
Comment: This sequence change affects a donor splice site in intron 6 of the RB1 gene. RNA analysis indicates that disruption of this splice site induces altered splicing and may result in an absent or altered protein product. This variant is not present in population databases (gnomAD no frequency). Disruption of this splice site has been observed in individual(s) with retinoblastoma (PMID: 8651278, 12016586, 26925970; internal data). It has also been observed to segregate with disease in related individuals. ClinVar contains an entry for this variant (Variation ID: 1459669). Studies have shown that disruption of this splice site results in skipping of exon 6, and produces a non-functional protein and/or introduces a premature termination codon (PMID: 18000883). For these reasons, this variant has been classified as Pathogenic.

Genetic Diagnostic Laboratory, University of Pennsylvania School of Medicine
Classification: Pathogenic for Retinoblastoma. Last evaluated: 2024-05-20. Review status: criteria provided, single submitter. Criteria: ACMG Guidelines, 2015. Collection method: clinical testing. Allele origin: germline. Affected: yes. Observed: 5 variant alleles.
Comment: Case and Pedigree Information: BILATERAL CASES:5, UNILATERAL CASES:0, TOTAL CASES:5, PEDIGREES:4. ACMG Codes Applied:PVS1, PM2, PS4SUP

Ambry Genetics
Classification: Pathogenic for Hereditary cancer-predisposing syndrome. Last evaluated: 2021-06-07. Review status: criteria provided, single submitter. Criteria: Ambry Variant Classification Scheme 2023. Collection method: clinical testing. Allele origin: germline.
Comment: The c.607+1G>C intronic pathogenic mutation results from a G to C substitution one nucleotide after coding exon 6 of the RB1 gene. This alteration has been detected in several individuals with bilateral retinoblastoma in early childhood (Ambry internal data; Lohmann DR et al. Am. J. Hum. Genet. 1996 May;58(5):940-9). This variant is considered to be rare based on population cohorts in the Genome Aggregation Database (gnomAD). In silico splice site analysis predicts that this alteration will weaken the native splice donor site. In addition to the clinical data presented in the literature, alterations that disrupt the canonical splice site are expected to cause aberrant splicing, resulting in an abnormal protein or a transcript that is subject to nonsense-mediated mRNA decay. As such, this alteration is classified as a disease-causing mutation.

Literature cited by the submitters: PubMed 20301625 (cited by Victorian Clinical Genetics Services, Murdoch Childrens Research Institute); PubMed 10673998 (cited by Victorian Clinical Genetics Services, Murdoch Childrens Research Institute); PubMed 8651278 (cited by Labcorp Genetics (formerly Invitae), Labcorp); PubMed 12016586 (cited by Labcorp Genetics (formerly Invitae), Labcorp); PubMed 26925970 (cited by Labcorp Genetics (formerly Invitae), Labcorp); PubMed 18000883 (cited by Labcorp Genetics (formerly Invitae), Labcorp).